The following is an entry in ClinVar:

NM_144672.4(OTOA):c.267+1G>C

Gene: OTOA (otoancorin). Cytogenetic location: 16p12.2.
Variant type: single nucleotide variant.
Coding change: c.267+1G>C on transcript NM_144672.4 (MANE Select); the canonical splice donor site of the intron after coding-DNA position 267, G replaced by C.
Molecular consequence: splice donor variant.
Genome position (GRCh38, 1-based): chr16:21,681,826, G>C. VCF-style: chr16-21681826-G-C. GRCh37 (hg19) VCF-style: chr16-21693147-G-C.
Identifiers: ClinVar variation 2839499 (VCV002839499.3), dbSNP rs1966897756, ClinGen allele CA395052193.

ClinVar aggregate classification (germline): Likely pathogenic (1 of 4 stars; one submission).

Submission:

Labcorp Genetics (formerly Invitae), Labcorp
Classification: Likely pathogenic. Last evaluated: 2023-02-21. Review status: criteria provided, single submitter. Criteria: Invitae Variant Classification Sherloc (09022015). Collection method: clinical testing. Allele origin: germline.
Comment: In summary, the currently available evidence indicates that the variant is pathogenic, but additional data are needed to prove that conclusively. Therefore, this variant has been classified as Likely Pathogenic. Algorithms developed to predict the effect of sequence changes on RNA splicing suggest that this variant may disrupt the consensus splice site. This variant has not been reported in the literature in individuals affected with OTOA-related conditions. This variant is not present in population databases (gnomAD no frequency). This sequence change affects a donor splice site in intron 5 of the OTOA gene. It is expected to disrupt RNA splicing. Variants that disrupt the donor or acceptor splice site typically lead to a loss of protein function (PMID: 16199547), and loss-of-function variants in OTOA are known to be pathogenic (PMID: 11972037).

Literature cited by the submitters: PubMed 16199547; PubMed 11972037.